The following is an entry in ClinVar:

NM_003901.4(SGPL1):c.683A>C (p.Lys228Thr)

Gene: SGPL1 (sphingosine-1-phosphate lyase 1; plus strand). Cytogenetic location: 10q22.1.
Variant type: single nucleotide variant.
Coding change: c.683A>C on transcript NM_003901.4 (MANE Select); coding-DNA position 683, A replaced by C.
Protein change: p.Lys228Thr; replaces lysine 228 with threonine.
Molecular consequence: missense variant.
Genome position (GRCh38, 1-based): chr10:70,868,412, A>C. VCF-style: chr10-70868412-A-C. GRCh37 (hg19) VCF-style: chr10-72628169-A-C.
Other names: short protein forms K228T.
Identifiers: ClinVar variation 1908609 (VCV001908609.2), dbSNP rs1267394626, ClinGen allele CA377121996.

ClinVar aggregate classification (germline): Uncertain significance (1 of 4 stars; one submission).

Allele frequency attached by ClinVar (database versions not stated): gnomAD exomes 0.00001; TOPMed 0.00002.
gnomAD v4.1: 8 of 1,613,846 alleles (0.0005%); highest among the groups gnomAD compares: Admixed American, 0.01%; no homozygotes.

Submission:

Labcorp Genetics (formerly Invitae), Labcorp
Classification: Uncertain significance. Last evaluated: 2022-05-04. Review status: criteria provided, single submitter. Criteria: Invitae Variant Classification Sherloc (09022015). Collection method: clinical testing. Allele origin: germline.
Comment: This sequence change replaces lysine, which is basic and polar, with threonine, which is neutral and polar, at codon 228 of the SGPL1 protein (p.Lys228Thr). This variant is present in population databases (no rsID available, gnomAD 0.01%). This variant has not been reported in the literature in individuals affected with SGPL1-related conditions. Algorithms developed to predict the effect of missense changes on protein structure and function are either unavailable or do not agree on the potential impact of this missense change (SIFT: "Deleterious"; PolyPhen-2: "Benign"; Align-GVGD: "Class C0"). In summary, the available evidence is currently insufficient to determine the role of this variant in disease. Therefore, it has been classified as a Variant of Uncertain Significance.